The following is an entry in ClinVar:

ClinVar aggregate classification (germline): Uncertain significance. Review status: criteria provided, multiple submitters, no conflicts (2 of 4 stars). 3 submissions from 3 submitters: Uncertain significance (3). Last evaluated 2025-05-08.

Conditions:
Sotos syndrome (SOTOS). Also called: Sotos' syndrome; SOTOS SYNDROME 1; Distinctive facial appearance, overgrowth in childhood, and learning disabilities or delayed development; CEREBRAL GIGANTISM; CHROMOSOME 5q35 DELETION SYNDROME. Identifiers: Orphanet 821, MedGen C0175695, MONDO:0019349, OMIM 117550.

Allele frequency attached by ClinVar (database versions not stated): gnomAD exomes below 0.00001; TOPMed below 0.00001.
gnomAD v4.1: 3 of 1,614,106 alleles (0.00019%); highest among the groups gnomAD compares: Non-Finnish European, 0.000085%; no homozygotes.

Submissions (3):

Labcorp Genetics (formerly Invitae), Labcorp
Classification: Uncertain significance. Last evaluated: 2025-05-08. Review status: criteria provided, single submitter. Criteria: Invitae Variant Classification Sherloc (09022015). Collection method: clinical testing. Allele origin: germline.
Comment: This sequence change replaces alanine, which is neutral and non-polar, with aspartic acid, which is acidic and polar, at codon 1508 of the NSD1 protein (p.Ala1508Asp). This variant is not present in population databases (gnomAD no frequency). This variant has not been reported in the literature in individuals affected with NSD1-related conditions. ClinVar contains an entry for this variant (Variation ID: 856174). Invitae Evidence Modeling of protein sequence and biophysical properties (such as structural, functional, and spatial information, amino acid conservation, physicochemical variation, residue mobility, and thermodynamic stability) indicates that this missense variant is not expected to disrupt NSD1 protein function with a negative predictive value of 95%. In summary, the available evidence is currently insufficient to determine the role of this variant in disease. Therefore, it has been classified as a Variant of Uncertain Significance.

CeGaT Center for Human Genetics Tuebingen
Classification: Uncertain significance. Last evaluated: 2024-02-01. Review status: criteria provided, single submitter. Criteria: CeGaT Center For Human Genetics Tuebingen Variant Classification Criteria Version 2. Collection method: clinical testing. Allele origin: germline. Affected: yes. Observed: 1 variant allele.
Comment: NSD1: PM2

Department of Pathology and Laboratory Medicine, Sinai Health System
Classification: Uncertain significance for Sotos syndrome. Last evaluated: 2021-07-30. Review status: criteria provided, single submitter. Criteria: ACMG Guidelines, 2015. Collection method: research. Allele origin: germline.

NM_022455.5(NSD1):c.4523C>A (p.Ala1508Asp)

Gene: NSD1 (nuclear receptor binding SET domain protein 1; plus strand). Cytogenetic location: 5q35.3.
Variant type: single nucleotide variant.
Coding change: c.4523C>A on transcript NM_022455.5 (MANE Select); coding-DNA position 4523, C replaced by A.
Protein change: p.Ala1508Asp; replaces alanine 1508 with aspartic acid.
Molecular consequence: missense variant.
Genome position (GRCh38, 1-based): chr5:177,248,206, C>A. VCF-style: chr5-177248206-C-A. GRCh37 (hg19) VCF-style: chr5-176675207-C-A.
Other names: c.3650C>A, p.Ala1217Asp (NM_001365684.2, NM_001409306.1, NM_001409307.1 and 3 more transcripts); c.4523C>A, p.Ala1508Asp (NM_001409301.1, NM_001409302.1, NM_001409303.1); c.4103C>A, p.Ala1368Asp (NM_001409304.1); c.3770C>A, p.Ala1257Asp (NM_001409305.1); short protein forms A1239D, A1508D, A1217D, A1257D, A1368D.
Identifiers: ClinVar variation 856174 (VCV000856174.32), dbSNP rs1766450095, ClinGen allele CA362349519.